The following is an entry in ClinVar:

ClinVar aggregate classification (germline): Uncertain significance. Review status: criteria provided, multiple submitters, no conflicts (2 of 4 stars). 2 submissions from 2 submitters: Uncertain significance (2). Last evaluated 2025-04-22.

Allele frequency attached by ClinVar (database versions not stated): ExAC 0.00001; 1000 Genomes Project 30x 0.00016; gnomAD exomes below 0.00001; 1000 Genomes Project 0.00020; gnomAD 0.00001.
gnomAD v4.1: 2 of 1,614,114 alleles (0.00012%); highest among the groups gnomAD compares: African/African-American, 0.0027%; no homozygotes.

Submissions (2):

Mayo Clinic Laboratories, Mayo Clinic
Classification: Uncertain significance. Last evaluated: 2025-04-22. Review status: criteria provided, single submitter. Criteria: ACMG Guidelines, 2015. Collection method: clinical testing. Allele origin: germline. Observed: 1 variant allele.
Comment: PP3

Revvity Omics, Revvity
Classification: Uncertain significance. Last evaluated: 2021-02-11. Review status: criteria provided, single submitter. Criteria: ACMG Guidelines, 2015. Collection method: clinical testing. Allele origin: germline.

NM_001267550.2(TTN):c.10103T>C (p.Val3368Ala)

Gene: TTN (titin; minus strand). Cytogenetic location: 2q31.2.
Variant type: single nucleotide variant.
Coding change: c.10103T>C on transcript NM_001267550.2 (MANE Select); coding-DNA position 10103, T replaced by C.
Protein change: p.Val3368Ala; replaces valine 3368 with alanine.
Molecular consequence: missense variant.
Genome position (GRCh38, 1-based): chr2:178,764,188, A>G on the plus strand (T>C on the coding strand, the complement: TTN is on the minus strand). VCF-style: chr2-178764188-A-G. GRCh37 (hg19) VCF-style: chr2-179628915-A-G.
Other names: p.Val3368Ala; c.10103T>C, p.Val3368Ala (NM_001256850.1, NM_133378.4, NM_133379.5); c.9965T>C, p.Val3322Ala (NM_003319.4, NM_133432.3, NM_133437.4); short protein forms V3322A, V3368A.
Identifiers: ClinVar variation 2437715 (VCV002437715.4), dbSNP rs149309988, ClinGen allele CA2004188.